The following is an entry in ClinVar:

ClinVar aggregate classification (germline): Uncertain significance. Review status: criteria provided, multiple submitters, no conflicts (2 of 4 stars). 2 submissions from 2 submitters: Uncertain significance (2). Last evaluated 2026-08-24.

Conditions:
Nephronophthisis. Also called: Juvenile Nephronophthisis. Identifiers: Orphanet 655, MedGen C0687120, MONDO:0019005, HP:0000090.
Joubert syndrome. Also called: Familial aplasia of the vermis; JOUBERT-BOLTSHAUSER SYNDROME. Identifiers: Orphanet 475, MedGen C5979921, MONDO:0018772.
Meckel-Gruber syndrome. Also called: Dysencephalia splachnocystica; DYSENCEPHALIA SPLANCHNOCYSTICA; GRUBER SYNDROME. Identifiers: Orphanet 564, MedGen C0265215, MONDO:0018921.
CEP290-related disorder. Also called: CEP290-related disorders; CEP290-related condition. Identifiers: MedGen CN239314.

Submissions (2):

PreventionGenetics, part of Exact Sciences
Classification: Uncertain significance for CEP290-related condition. Last evaluated: 2026-08-24. Review status: criteria provided, single submitter. Criteria: ACMG Guidelines, 2015. Collection method: clinical testing. Allele origin: germline.
Comment: The CEP290 c.3104-5T>A variant is predicted to interfere with splicing. To our knowledge, this variant has not been reported in the literature or in a large population database (gnomAD), indicating this variant is rare. This variant is predicted to alter splicing based on available splicing prediction programs (SpliceAI, Jaganathan et al. 2019. PubMed ID: 30661751). However, the use of computer prediction programs is not equivalent to functional evidence. At this time, the clinical significance of this variant is uncertain due to the absence of conclusive functional and genetic evidence.

Labcorp Genetics (formerly Invitae), Labcorp
Classification: Uncertain significance for Joubert syndrome; Meckel-Gruber syndrome; Nephronophthisis. Last evaluated: 2024-02-24. Review status: criteria provided, single submitter. Criteria: Invitae Variant Classification Sherloc (09022015). Collection method: clinical testing. Allele origin: germline.
Comment: This sequence change falls in intron 27 of the CEP290 gene. It does not directly change the encoded amino acid sequence of the CEP290 protein. This variant is not present in population databases (gnomAD no frequency). This variant has not been reported in the literature in individuals affected with CEP290-related conditions. ClinVar contains an entry for this variant (Variation ID: 1468035). Algorithms developed to predict the effect of sequence changes on RNA splicing suggest that this variant may disrupt the consensus splice site. In summary, the available evidence is currently insufficient to determine the role of this variant in disease. Therefore, it has been classified as a Variant of Uncertain Significance.

NM_025114.4(CEP290):c.3104-5T>A

Gene: CEP290 (centrosomal protein 290; minus strand). Cytogenetic location: 12q21.32.
Variant type: single nucleotide variant.
Coding change: c.3104-5T>A on transcript NM_025114.4 (MANE Select); 5 bases into the intron before coding-DNA position 3104, T replaced by A.
Molecular consequence: intron variant.
Genome position (GRCh38, 1-based): chr12:88,093,980, A>T on the plus strand (T>A on the coding strand, the complement: CEP290 is on the minus strand). VCF-style: chr12-88093980-A-T. GRCh37 (hg19) VCF-style: chr12-88487757-A-T.
Other names: c.3104-5T>A (NM_025114.3).
Identifiers: ClinVar variation 1468035 (VCV001468035.9), dbSNP rs1302558061, ClinGen allele CA2573149066.
Genomic context (GRCh38, chr12:88,093,980, plus strand): 5'-AACAATGTCACTGTTGGTTATTGATTTCTTTGCCTTATCCATGCTAGATTCATTACCTAC[A>T]TGCAATAATATTTAAGTCAATCTCATGCTGTTTATATTAAAATTACCTCAGATATTTTAG-3'